The following is an entry in ClinVar:

ClinVar aggregate classification (germline): Uncertain significance (1 of 4 stars; one submission).

Allele frequency attached by ClinVar (database versions not stated): TOPMed below 0.00001; gnomAD 0.00001.
gnomAD v4.1: 1 of 1,604,028 alleles (0.000062%); highest among the groups gnomAD compares: African/African-American, 0.0013%; no homozygotes.

Submission:

Labcorp Genetics (formerly Invitae), Labcorp
Classification: Uncertain significance. Last evaluated: 2022-10-17. Review status: criteria provided, single submitter. Criteria: Invitae Variant Classification Sherloc (09022015). Collection method: clinical testing. Allele origin: germline.
Comment: In summary, the available evidence is currently insufficient to determine the role of this variant in disease. Therefore, it has been classified as a Variant of Uncertain Significance. Advanced modeling of protein sequence and biophysical properties (such as structural, functional, and spatial information, amino acid conservation, physicochemical variation, residue mobility, and thermodynamic stability) performed at Invitae indicates that this missense variant is not expected to disrupt C9 protein function. ClinVar contains an entry for this variant (Variation ID: 1380531). This variant has not been reported in the literature in individuals affected with C9-related conditions. This variant is present in population databases (no rsID available, gnomAD 0.01%). This sequence change replaces glutamine with glutamic acid at codon 281 of the C9 protein (p.Gln281Glu). The glutamine residue is moderately conserved and there is a small physicochemical difference between glutamine and glutamic acid.

NM_001737.5(C9):c.841C>G (p.Gln281Glu)

Gene: C9 (complement C9; minus strand). Cytogenetic location: 5p13.1.
Variant type: single nucleotide variant.
Coding change: c.841C>G on transcript NM_001737.5 (MANE Select); coding-DNA position 841, C replaced by G.
Protein change: p.Gln281Glu; replaces glutamine 281 with glutamic acid.
Molecular consequence: missense variant.
Genome position (GRCh38, 1-based): chr5:39,315,804, G>C on the plus strand (C>G on the coding strand, the complement: C9 is on the minus strand). VCF-style: chr5-39315804-G-C. GRCh37 (hg19) VCF-style: chr5-39315906-G-C.
Other names: short protein forms Q281E.
Identifiers: ClinVar variation 1380531 (VCV001380531.6), dbSNP rs1195950669, ClinGen allele CA359558323.